The following is an entry in ClinVar:

NM_174912.4(FAAH2):c.1579G>T (p.Val527Phe)

Gene: FAAH2 (fatty acid amide hydrolase 2; plus strand). Cytogenetic location: Xp11.21.
Variant type: single nucleotide variant.
Coding change: c.1579G>T on transcript NM_174912.4 (MANE Select); coding-DNA position 1579, G replaced by T.
Protein change: p.Val527Phe; replaces valine 527 with phenylalanine.
Molecular consequence: missense variant. On other transcripts: non-coding transcript variant (2).
Genome position (GRCh38, 1-based): chrX:57,488,912, G>T. VCF-style: chrX-57488912-G-T. GRCh37 (hg19) VCF-style: chrX-57515345-G-T.
Other names: c.1459G>T, p.Val487Phe (NM_001353840.1); c.1369G>T, p.Val457Phe (NM_001353841.1); short protein forms V457F, V487F, V527F.
Identifiers: ClinVar variation 4891126 (VCV004891126.1).
Genomic context (GRCh38, chrX:57,488,912, plus strand): 5'-TTTAATGATCATCTGACCCTGGCTGTGGCCCAGTACTTGGAGAAAACTTTTGGGGGCTGG[G>T]TCTGTCCAGGAAAGTTTTAGGAGGACCTTCTGCAAGGTTAATGTGTGTGTGTGTTTGTGT-3'
Protein context (NP_777572.2, residues 517-532): QYLEKTFGGW[Val527Phe]CPGKF

ClinVar aggregate classification (germline): Uncertain significance (1 of 4 stars; one submission).

gnomAD v4.1: 2 of 1,208,241 alleles (0.00017%); highest among the groups gnomAD compares: Non-Finnish European, 0.00011%; no homozygotes.

Submission:

Greenwood Genetic Center Diagnostic Laboratories, Greenwood Genetic Center
Classification: Uncertain significance. Last evaluated: 2026-06-03. Review status: criteria provided, single submitter. Criteria: ACMG Guidelines, 2015. Collection method: clinical testing. Allele origin: germline.
Comment: Gene of Uncertain Significance